The following is an entry in ClinVar:

NM_145207.3(AFG2A):c.92G>A (p.Arg31Gln)

Gene: AFG2A (AAA ATPase AFG2A; plus strand). Cytogenetic location: 4q28.1.
Variant type: single nucleotide variant.
Coding change: c.92G>A on transcript NM_145207.3 (MANE Select); coding-DNA position 92, G replaced by A.
Protein change: p.Arg31Gln; replaces arginine 31 with glutamine.
Molecular consequence: missense variant.
Genome position (GRCh38, 1-based): chr4:122,923,234, G>A. VCF-style: chr4-122923234-G-A. GRCh37 (hg19) VCF-style: chr4-123844389-G-A.
Other names: c.92G>A, p.Arg31Gln (NM_001317799.2, NM_001345856.2); short protein forms R31Q.
Identifiers: ClinVar variation 945387 (VCV000945387.6), dbSNP rs769355729, ClinGen allele CA358097212.

ClinVar aggregate classification (germline): Uncertain significance (1 of 4 stars; one submission).

Conditions:
Microcephaly-intellectual disability-sensorineural hearing loss-epilepsy-abnormal muscle tone syndrome (NEDHSB). Also called: NEURODEVELOPMENTAL DISORDER WITH HEARING LOSS, SEIZURES, AND BRAIN ABNORMALITIES. Identifiers: Orphanet 457351, MedGen C4225276, MONDO:0014698, OMIM 616577.

gnomAD v4.1: 3 of 1,614,192 alleles (0.00019%); highest among the groups gnomAD compares: East Asian, 0.0022%; no homozygotes.

Submission:

Labcorp Genetics (formerly Invitae), Labcorp
Classification: Uncertain significance for Microcephaly-intellectual disability-sensorineural hearing loss-epilepsy-abnormal muscle tone syndrome. Last evaluated: 2019-05-20. Review status: criteria provided, single submitter. Criteria: Invitae Variant Classification Sherloc (09022015). Collection method: clinical testing. Allele origin: germline.
Comment: In summary, the available evidence is currently insufficient to determine the role of this variant in disease. Therefore, it has been classified as a Variant of Uncertain Significance. Algorithms developed to predict the effect of missense changes on protein structure and function output the following: SIFT: "Tolerated"; PolyPhen-2: "Benign"; Align-GVGD: "Class C0". The glutamine amino acid residue is found in multiple mammalian species, suggesting that this missense change does not adversely affect protein function. These predictions have not been confirmed by published functional studies and their clinical significance is uncertain. This variant has not been reported in the literature in individuals with SPATA5-related conditions. This variant is not present in population databases (ExAC no frequency). This sequence change replaces arginine with glutamine at codon 31 of the SPATA5 protein (p.Arg31Gln). The arginine residue is weakly conserved and there is a small physicochemical difference between arginine and glutamine.